The following is an entry in ClinVar:

ClinVar aggregate classification (germline): Likely benign (1 of 4 stars; one submission).

Submission:

CeGaT Center for Human Genetics Tuebingen
Classification: Likely benign. Last evaluated: 2022-08-01. Review status: criteria provided, single submitter. Criteria: CeGaT Center For Human Genetics Tuebingen Variant Classification Criteria Version 2. Collection method: clinical testing. Allele origin: germline. Affected: yes. Observed: 1 variant allele.
Comment: CXCR3: PM2:Supporting, BP4, BP7

NM_001504.2(CXCR3):c.252C>T (p.Ala84=)

Gene: CXCR3 (C-X-C motif chemokine receptor 3; minus strand). Cytogenetic location: Xq13.1.
Variant type: single nucleotide variant.
Coding change: c.252C>T on transcript NM_001504.2 (MANE Select); coding-DNA position 252, C replaced by T.
Protein change: p.Ala84=; no amino-acid change (alanine 84 retained).
Molecular consequence: synonymous variant.
Genome position (GRCh38, 1-based): chrX:71,617,220, G>A on the plus strand (C>T on the coding strand, the complement: CXCR3 is on the minus strand). VCF-style: chrX-71617220-G-A. GRCh37 (hg19) VCF-style: chrX-70837070-G-A.
Other names: c.393C>T, p.Ala131= (NM_001142797.2).
Identifiers: ClinVar variation 2660891 (VCV002660891.24), dbSNP rs1433421898, ClinGen allele CA517028763.